The following is an entry in ClinVar:

NM_001142800.2(EYS):c.716C>T (p.Ala239Val)

Gene: EYS (EGF-like photoreceptor maintenance factor; minus strand). Cytogenetic location: 6q12.
Variant type: single nucleotide variant.
Coding change: c.716C>T on transcript NM_001142800.2 (MANE Select); coding-DNA position 716, C replaced by T.
Protein change: p.Ala239Val; replaces alanine 239 with valine.
Molecular consequence: missense variant.
Genome position (GRCh38, 1-based): chr6:65,494,695, G>A on the plus strand (C>T on the coding strand, the complement: EYS is on the minus strand). VCF-style: chr6-65494695-G-A. GRCh37 (hg19) VCF-style: chr6-66204588-G-A.
Other names: c.716C>T, p.Ala239Val (NM_001142801.2, NM_001292009.2, NM_198283.2); short protein forms A239V.
Identifiers: ClinVar variation 755637 (VCV000755637.18), dbSNP rs150140204, ClinGen allele CA3878028.

ClinVar aggregate classification (germline): Conflicting classifications of pathogenicity. Review status: criteria provided, conflicting classifications (1 of 4 stars). 5 submissions from 5 submitters: Uncertain significance (2); Likely benign (2). 1 of the submissions does not count toward it. Last evaluated 2026-01-28.

Conditions:
Retinitis pigmentosa (RP). Identifiers: Orphanet 791, MedGen C0035334, MeSH D012174, MONDO:0019200, OMIM 268000. Inheritance: Autosomal dominant, autosomal recessive and X linked inheritance.
EYS-related disorder. Also called: EYS-related condition.

Allele frequency attached by ClinVar (database versions not stated): gnomAD exomes 0.00007 and 0.00019; ESP Exome Variant Server 0.00046; gnomAD 0.00054; ExAC 0.00060; 1000 Genomes Project 30x 0.00062; TOPMed 0.00063; 1000 Genomes Project 0.00080.
gnomAD v4.1: 202 of 1,587,136 alleles (0.013%); highest among the groups gnomAD compares: African/African-American, 0.23%; 2 homozygotes.

Submissions (5):

Labcorp Genetics (formerly Invitae), Labcorp
Classification: Likely benign. Last evaluated: 2026-01-28. Review status: criteria provided, single submitter. Criteria: Invitae Variant Classification Sherloc (09022015). Collection method: clinical testing. Allele origin: germline.

PreventionGenetics, part of Exact Sciences
Classification: Likely benign for EYS-related condition. Last evaluated: 2025-05-16. Review status: criteria provided, single submitter. Criteria: ACMG Guidelines, 2015. Collection method: clinical testing. Allele origin: germline.
Comment: This variant is classified as likely benign based on ACMG/AMP sequence variant interpretation guidelines (Richards et al. 2015 PMID: 25741868, with internal and published modifications).

Blueprint Genetics
Classification: Uncertain significance. Last evaluated: 2024-09-02. Review status: criteria provided, single submitter. Criteria: ACMG Guidelines, 2015. Collection method: clinical testing. Allele origin: germline.

Illumina Laboratory Services, Illumina
Classification: Uncertain significance for Retinitis pigmentosa. Last evaluated: 2018-01-13. Review status: criteria provided, single submitter. Criteria: ICSL Variant Classification Criteria 13 December 2019. Collection method: clinical testing. Allele origin: germline.

Natera, Inc.
Classification: Uncertain significance for Retinitis pigmentosa. Last evaluated: 2020-04-17. Review status: no assertion criteria provided. Collection method: clinical testing. Allele origin: germline. Not counted in ClinVar's aggregate classification.